The following is an entry in ClinVar:

NM_007186.6(CEP250):c.5885G>A (p.Arg1962Gln)

Gene: CEP250 (centrosomal protein 250; plus strand). Cytogenetic location: 20q11.22.
Variant type: single nucleotide variant.
Coding change: c.5885G>A on transcript NM_007186.6 (MANE Select); coding-DNA position 5885, G replaced by A.
Protein change: p.Arg1962Gln; replaces arginine 1962 with glutamine.
Molecular consequence: missense variant.
Genome position (GRCh38, 1-based): chr20:35,504,254, G>A. VCF-style: chr20-35504254-G-A. GRCh37 (hg19) VCF-style: chr20-34092082-G-A.
Other names: c.3989G>A, p.Arg1330Gln (NM_001318219.1); short protein forms R1330Q, R1962Q.
Identifiers: ClinVar variation 1474669 (VCV001474669.6), dbSNP rs760748107, ClinGen allele CA9833959.

ClinVar aggregate classification (germline): Uncertain significance (1 of 4 stars; one submission).

Allele frequency attached by ClinVar (database versions not stated): gnomAD 0.00001; gnomAD exomes 0.00001; ExAC 0.00002.
gnomAD v4.1: 16 of 1,597,768 alleles (0.001%); highest among the groups gnomAD compares: Middle Eastern, 0.017%; no homozygotes.

Submission:

Labcorp Genetics (formerly Invitae), Labcorp
Classification: Uncertain significance. Last evaluated: 2022-09-06. Review status: criteria provided, single submitter. Criteria: Invitae Variant Classification Sherloc (09022015). Collection method: clinical testing. Allele origin: germline.
Comment: This sequence change replaces arginine, which is basic and polar, with glutamine, which is neutral and polar, at codon 1962 of the CEP250 protein (p.Arg1962Gln). The frequency data for this variant in the population databases is considered unreliable, as metrics indicate poor data quality at this position in the gnomAD database. This variant has not been reported in the literature in individuals affected with CEP250-related conditions. ClinVar contains an entry for this variant (Variation ID: 1474669). Algorithms developed to predict the effect of missense changes on protein structure and function output the following: SIFT: "Not Available"; PolyPhen-2: "Benign"; Align-GVGD: "Not Available". The glutamine amino acid residue is found in multiple mammalian species, which suggests that this missense change does not adversely affect protein function. In summary, the available evidence is currently insufficient to determine the role of this variant in disease. Therefore, it has been classified as a Variant of Uncertain Significance.